The following is an entry in ClinVar:

ClinVar aggregate classification (germline): Uncertain significance (1 of 4 stars; one submission).

Allele frequency attached by ClinVar (database versions not stated): gnomAD exomes below 0.00001.

Submission:

Labcorp Genetics (formerly Invitae), Labcorp
Classification: Uncertain significance. Last evaluated: 2023-12-26. Review status: criteria provided, single submitter. Criteria: Invitae Variant Classification Sherloc (09022015). Collection method: clinical testing. Allele origin: germline.
Comment: This sequence change replaces threonine, which is neutral and polar, with isoleucine, which is neutral and non-polar, at codon 954 of the DOCK6 protein (p.Thr954Ile). This variant is not present in population databases (gnomAD no frequency). This variant has not been reported in the literature in individuals affected with DOCK6-related conditions. Advanced modeling of protein sequence and biophysical properties (such as structural, functional, and spatial information, amino acid conservation, physicochemical variation, residue mobility, and thermodynamic stability) performed at Invitae indicates that this missense variant is not expected to disrupt DOCK6 protein function with a negative predictive value of 80%. In summary, the available evidence is currently insufficient to determine the role of this variant in disease. Therefore, it has been classified as a Variant of Uncertain Significance.

NM_020812.4(DOCK6):c.2861C>T (p.Thr954Ile)

Gene: DOCK6 (dedicator of cytokinesis 6; minus strand). Cytogenetic location: 19p13.2.
Variant type: single nucleotide variant.
Coding change: c.2861C>T on transcript NM_020812.4 (MANE Select); coding-DNA position 2861, C replaced by T.
Protein change: p.Thr954Ile; replaces threonine 954 with isoleucine.
Molecular consequence: missense variant.
Genome position (GRCh38, 1-based): chr19:11,227,431, G>A on the plus strand (C>T on the coding strand, the complement: DOCK6 is on the minus strand). VCF-style: chr19-11227431-G-A. GRCh37 (hg19) VCF-style: chr19-11338107-G-A.
Other names: c.2966C>T, p.Thr989Ile (NM_001367830.1); short protein forms T954I, T989I.
Identifiers: ClinVar variation 2823235 (VCV002823235.3), dbSNP rs2513063789, ClinGen allele CA404093062.
Genomic context (GRCh38, chr19:11,227,431, plus strand): 5'-GAGCCCACCAAGGCAGTGATGTCGTCCAGGAAGCGTCCGGGGAAGCGCAGCTTGCGGGGT[G>A]TGTCTAGTCGCTGGCCAAGCAGCAGGTGCAGCGCCATACTCTTCACCTGGGGGTGGGGTG-3'
Protein context (NP_065863.2, residues 944-964): LHLLLGQRLD[Thr954Ile]PRKLRFPGRF